The following is an entry in ClinVar:

NM_024642.5(GALNT12):c.22C>T (p.Arg8Trp)

Gene: GALNT12 (polypeptide N-acetylgalactosaminyltransferase 12; plus strand). Cytogenetic location: 9q22.33.
Variant type: single nucleotide variant.
Coding change: c.22C>T on transcript NM_024642.5 (MANE Select); coding-DNA position 22, C replaced by T.
Protein change: p.Arg8Trp; replaces arginine 8 with tryptophan.
Molecular consequence: missense variant.
Genome position (GRCh38, 1-based): chr9:98,807,720, C>T. VCF-style: chr9-98807720-C-T. GRCh37 (hg19) VCF-style: chr9-101570002-C-T.
Other names: short protein forms R8W.
Identifiers: ClinVar variation 821057 (VCV000821057.15), dbSNP rs1419382391, ClinGen allele CA374222034.
Genomic context (GRCh38, chr9:98,807,720, plus strand): 5'-CTTGGGGCGCGCAGATCGCTGGCTGCAGTTGGCGGGCGCATGTGGGGGCGCACGGCGCGG[C>T]GGCGCTGCCCGCGGGAACTGCGGCGCGGCCGGGAGGCGCTGTTGGTGCTCCTGGCGCTAC-3'
Protein context (NP_078918.3, residues 1-18): MWGRTAR[Arg8Trp]RCPRELRRGR

ClinVar aggregate classification (germline): Uncertain significance. Review status: criteria provided, multiple submitters, no conflicts (2 of 4 stars). 3 submissions from 3 submitters: Uncertain significance (3). Last evaluated 2025-12-07.

Conditions:
Colorectal cancer, susceptibility to, 1. Also called: COLORECTAL ADENOMA AND CANCER, SUSCEPTIBILITY TO; COLORECTAL CANCER, SUSCEPTIBILITY TO, ON CHROMOSOME 9. Identifiers: MedGen C1837315, MONDO:0012132, OMIM 608812.

Allele frequency attached by ClinVar (database versions not stated): gnomAD 0.00001; TOPMed 0.00002.
gnomAD v4.1: 8 of 1,175,530 alleles (0.00068%); highest among the groups gnomAD compares: South Asian, 0.0082%; no homozygotes.

Submissions (3):

Ambry Genetics
Classification: Uncertain significance. Last evaluated: 2025-12-07. Review status: criteria provided, single submitter. Criteria: Ambry Variant Classification Scheme 2023. Collection method: clinical testing. Allele origin: germline.
Comment: The p.R8W variant (also known as c.22C>T), located in coding exon 1 of the GALNT12 gene, results from a C to T substitution at nucleotide position 22. The arginine at codon 8 is replaced by tryptophan, an amino acid with dissimilar properties. This amino acid position is conserved on limited sequence alignment. In addition, this alteration is predicted to be tolerated by in silico analysis. Since supporting evidence is limited at this time, the clinical significance of this alteration remains unclear.

Labcorp Genetics (formerly Invitae), Labcorp
Classification: Uncertain significance. Last evaluated: 2023-02-22. Review status: criteria provided, single submitter. Criteria: Invitae Variant Classification Sherloc (09022015). Collection method: clinical testing. Allele origin: germline.
Comment: Experimental studies and prediction algorithms are not available or were not evaluated, and the functional significance of this variant is currently unknown. In summary, the available evidence is currently insufficient to determine the role of this variant in disease. Therefore, it has been classified as a Variant of Uncertain Significance. ClinVar contains an entry for this variant (Variation ID: 821057). This sequence change replaces arginine, which is basic and polar, with tryptophan, which is neutral and slightly polar, at codon 8 of the GALNT12 protein (p.Arg8Trp). This variant is present in population databases (no rsID available, gnomAD 0.007%). This variant has not been reported in the literature in individuals affected with GALNT12-related conditions.

Baylor Genetics
Classification: Uncertain significance for Colorectal cancer, susceptibility to, 1. Last evaluated: 2022-06-14. Review status: criteria provided, single submitter. Criteria: ACMG Guidelines, 2015. Collection method: clinical testing. Allele origin: unknown.